The following is an entry in ClinVar:

NM_004082.5(DCTN1):c.2623G>A (p.Glu875Lys)

Gene: DCTN1 (dynactin subunit 1; minus strand). Cytogenetic location: 2p13.1.
Variant type: single nucleotide variant.
Coding change: c.2623G>A on transcript NM_004082.5 (MANE Select); coding-DNA position 2623, G replaced by A.
Protein change: p.Glu875Lys; replaces glutamic acid 875 with lysine.
Molecular consequence: missense variant. On other transcripts: non-coding transcript variant (1).
Genome position (GRCh38, 1-based): chr2:74,366,464, C>T on the plus strand (G>A on the coding strand, the complement: DCTN1 is on the minus strand). VCF-style: chr2-74366464-C-T. GRCh37 (hg19) VCF-style: chr2-74593591-C-T.
Other names: p.Glu875Lys; c.2563G>A, p.Glu855Lys (NM_001135040.3); c.2221G>A, p.Glu741Lys (NM_001135041.3, NM_023019.4); c.2512G>A, p.Glu838Lys (NM_001190836.2); c.2602G>A, p.Glu868Lys (NM_001190837.2); c.2572G>A, p.Glu858Lys (NM_001378991.1); c.2554G>A, p.Glu852Lys (NM_001378992.1); short protein forms E852K, E855K, E875K, E741K, E858K, E868K, E838K.
Identifiers: ClinVar variation 1793978 (VCV001793978.9), dbSNP rs201063854, ClinGen allele CA1721795.

ClinVar aggregate classification (germline): Conflicting classifications of pathogenicity. Review status: criteria provided, conflicting classifications (1 of 4 stars). 4 submissions from 4 submitters: Uncertain significance (1); Benign (1); Likely benign (2). Last evaluated 2025-03-24.

Conditions:
Inborn genetic diseases. Identifiers: MedGen C0950123, MeSH D030342.
Amyotrophic lateral sclerosis type 1 (ALS1). Also called: AMYOTROPHIC LATERAL SCLEROSIS 1, FAMILIAL. Identifiers: Orphanet 803, MedGen C1862939, MONDO:0007103, OMIM 105400.
Neuronopathy, distal hereditary motor, type 7B. Also called: HMN VIIB; LOWER MOTOR NEURON DISEASE, DYNACTIN TYPE; NEURONOPATHY, DISTAL HEREDITARY MOTOR, AUTOSOMAL DOMINANT 14; NEURONOPATHY, DISTAL HEREDITARY MOTOR, HARDING TYPE VIIB; NEUROPATHY, DISTAL HEREDITARY MOTOR, HARDING TYPE VIIB; NEUROPATHY, DISTAL HEREDITARY MOTOR, WITH VOCAL CORD PARALYSIS, HARDING TYPE VIIB. Identifiers: Orphanet 139589, MedGen C1843315, MONDO:0011879, OMIM 607641.
Perry syndrome. Also called: PARKINSONISM WITH ALVEOLAR HYPOVENTILATION AND MENTAL DEPRESSION. Identifiers: Orphanet 178509, MedGen C1868594, MONDO:0008201, OMIM 168605.

Allele frequency attached by ClinVar (database versions not stated): TOPMed 0.00001; 1000 Genomes Project 30x 0.00016; 1000 Genomes Project 0.00020; gnomAD 0.00027; ExAC 0.00031.
gnomAD v4.1: 231 of 1,614,208 alleles (0.014%); highest among the groups gnomAD compares: East Asian, 0.0089%; no homozygotes.

Submissions (4):

Mayo Clinic Laboratories, Mayo Clinic
Classification: Likely benign. Last evaluated: 2025-03-24. Review status: criteria provided, single submitter. Criteria: ACMG Guidelines, 2015. Collection method: clinical testing. Allele origin: germline. Observed: 1 variant allele.
Comment: BS1, BS2, PP3

Blueprint Genetics
Classification: Likely benign. Last evaluated: 2024-04-11. Review status: criteria provided, single submitter. Criteria: ACMG Guidelines, 2015. Collection method: clinical testing. Allele origin: germline.

Labcorp Genetics (formerly Invitae), Labcorp
Classification: Benign for Amyotrophic lateral sclerosis type 1; Neuronopathy, distal hereditary motor, type 7B; Perry syndrome. Last evaluated: 2023-10-16. Review status: criteria provided, single submitter. Criteria: Invitae Variant Classification Sherloc (09022015). Collection method: clinical testing. Allele origin: germline.

Ambry Genetics
Classification: Uncertain significance for Inborn genetic diseases. Last evaluated: 2019-08-30. Review status: criteria provided, single submitter. Criteria: Ambry Variant Classification Scheme 2023. Collection method: clinical testing. Allele origin: germline.
Comment: The p.E875K variant (also known as c.2623G>A), located in coding exon 22 of the DCTN1 gene, results from a G to A substitution at nucleotide position 2623. The glutamic acid at codon 875 is replaced by lysine, an amino acid with similar properties. This amino acid position is highly conserved in available vertebrate species. In addition, this alteration is predicted to be deleterious by in silico analysis. Since supporting evidence is limited at this time, the clinical significance of this alteration remains unclear.

Literature cited by the submitters: PubMed 33973882 (cited by Mayo Clinic Laboratories, Mayo Clinic); PubMed 34275688 (cited by Mayo Clinic Laboratories, Mayo Clinic); PubMed 37952009 (cited by Mayo Clinic Laboratories, Mayo Clinic).